The following is an entry in ClinVar:

NM_183065.4(TMEM107):c.361C>G (p.Pro121Ala)

Genes: TMEM107 (transmembrane protein 107; minus strand), LOC105371520 (uncharacterized LOC105371520; plus strand). Cytogenetic location: 17p13.1.
Variant type: single nucleotide variant.
Coding change: c.361C>G on transcript NM_183065.4 (MANE Select); coding-DNA position 361, C replaced by G.
Protein change: p.Pro121Ala; replaces proline 121 with alanine.
Molecular consequence: missense variant. On other transcripts: non-coding transcript variant (1).
Genome position (GRCh38, 1-based): chr17:8,174,265, G>C on the plus strand (C>G on the coding strand, the complement: TMEM107 is on the minus strand). VCF-style: chr17-8174265-G-C. GRCh37 (hg19) VCF-style: chr17-8077583-G-C.
Other names: c.358C>G, p.Pro120Ala (NM_001351278.2); c.340C>G, p.Pro114Ala (NM_001351279.2); c.163C>G, p.Pro55Ala (NM_001351280.2); c.379C>G, p.Pro127Ala (NM_032354.5); short protein forms P114A, P120A, P121A, P127A, P55A.
Identifiers: ClinVar variation 1308911 (VCV001308911.2), dbSNP rs2151448942, ClinGen allele CA397969973.
Genomic context (GRCh38, chr17:8,174,265, plus strand): 5'-AGAAGGGTTTCTTTTTCAGCCCAAAGACGGTGACGAATAAAGCCATTTCAGTGACAGCTG[G>C]AAGGGCACTACCAAGGCAAGTGGTAGATTCAGAAACCCTTTCAGTATAAATACCCAAATC-3'
Protein context (NP_898888.1, residues 111-131): WYIFVFCSAL[Pro121Ala]AVTEMALFVT

ClinVar aggregate classification (germline): Uncertain significance (1 of 4 stars; one submission).

gnomAD v4.1: 3 of 1,614,124 alleles (0.00019%); highest among the groups gnomAD compares: South Asian, 0.0033%; no homozygotes.

Submission:

GeneDx
Classification: Uncertain significance. Last evaluated: 2019-10-14. Review status: criteria provided, single submitter. Criteria: GeneDx Variant Classification Process June 2021. Collection method: clinical testing. Allele origin: germline. Affected: yes.
Comment: Not observed in large population cohorts (Lek et al., 2016); In silico analysis, which includes protein predictors and evolutionary conservation, supports a deleterious effect; Has not been previously published as pathogenic or benign to our knowledge